The following is an entry in ClinVar:

ClinVar aggregate classification (germline): Uncertain significance. Review status: criteria provided, multiple submitters, no conflicts (2 of 4 stars). 2 submissions from 2 submitters: Uncertain significance (2). Last evaluated 2025-12-02.

gnomAD v4.1: 1 of 1,614,224 alleles (0.000062%); highest among the groups gnomAD compares: South Asian, 0.0011%; no homozygotes.

Submissions (2):

Ambry Genetics
Classification: Uncertain significance. Last evaluated: 2025-12-02. Review status: criteria provided, single submitter. Criteria: Ambry Variant Classification Scheme 2023. Collection method: clinical testing. Allele origin: germline.

CeGaT Center for Human Genetics Tuebingen
Classification: Uncertain significance. Last evaluated: 2025-12-01. Review status: criteria provided, single submitter. Criteria: CeGaT Center For Human Genetics Tuebingen Variant Classification Criteria Version 2. Collection method: clinical testing. Allele origin: germline. Affected: yes. Observed: 1 variant allele.
Comment: ZFHX3: PM2:Supporting, PP3

NM_006885.4(ZFHX3):c.4616T>G (p.Leu1539Arg)

Genes: ZFHX3-AS1 (ZFHX3 antisense RNA 1; plus strand), ZFHX3 (zinc finger homeobox 3; minus strand). Cytogenetic location: 16q22.2.
Variant type: single nucleotide variant.
Coding change: c.4616T>G on transcript NM_006885.4 (MANE Select); coding-DNA position 4616, T replaced by G.
Protein change: p.Leu1539Arg; replaces leucine 1539 with arginine.
Molecular consequence: missense variant.
Genome position (GRCh38, 1-based): chr16:72,798,066, A>C on the plus strand (T>G on the coding strand, the complement: ZFHX3 is on the minus strand). VCF-style: chr16-72798066-A-C. GRCh37 (hg19) VCF-style: chr16-72831965-A-C.
Other names: c.1874T>G, p.Leu625Arg (NM_001164766.2); c.4616T>G, p.Leu1539Arg (NM_001386735.1); short protein forms L625R, L1539R.
Identifiers: ClinVar variation 4607412 (VCV004607412.5).